The following is an entry in ClinVar:

NM_001458.5(FLNC):c.5478T>G (p.Tyr1826Ter)

Genes: FLNC (filamin C; plus strand), FLNC-AS1 (FLNC antisense RNA 1; minus strand). Cytogenetic location: 7q32.1.
Variant type: single nucleotide variant.
Coding change: c.5478T>G on transcript NM_001458.5 (MANE Select); coding-DNA position 5478, T replaced by G.
Protein change: p.Tyr1826Ter; replaces tyrosine 1826 with a stop codon.
Molecular consequence: nonsense.
Genome position (GRCh38, 1-based): chr7:128,850,882, T>G. VCF-style: chr7-128850882-T-G. GRCh37 (hg19) VCF-style: chr7-128490936-T-G.
Other names: c.5379T>G, p.Tyr1793Ter (NM_001127487.2); short protein forms Y1826*, Y1793*.
Identifiers: ClinVar variation 620286 (VCV000620286.11), dbSNP rs371167779, ClinGen allele CA369206820.

ClinVar aggregate classification (germline): Pathogenic/Likely pathogenic. Review status: criteria provided, multiple submitters, no conflicts (2 of 4 stars). 3 submissions from 3 submitters: Pathogenic (2); Likely pathogenic (1). Last evaluated 2026-06-30.

Conditions:
Myofibrillar myopathy 5. Also called: Filaminopathy (type); FILAMINOPATHY, AUTOSOMAL DOMINANT. Identifiers: Orphanet 171445, MedGen C1836050, MONDO:0012289, OMIM 609524.
Distal myopathy with posterior leg and anterior hand involvement. Also called: WILLIAMS DISTAL MYOPATHY. Identifiers: Orphanet 63273, MedGen C3279722, MONDO:0013550, OMIM 614065.
Hypertrophic cardiomyopathy 26. Also called: Cardiomyopathy, familial hypertrophic, 26. Identifiers: Orphanet 75249, MedGen C4310749, MONDO:0014883, OMIM 617047.
Cardiovascular phenotype. Identifiers: MedGen CN230736.

Allele frequency attached by ClinVar (database versions not stated): gnomAD exomes below 0.00001.
gnomAD v4.1: 1 of 1,612,088 alleles (0.000062%); highest among the groups gnomAD compares: Non-Finnish European, 0.000085%; no homozygotes.

Submissions (3):

Ambry Genetics
Classification: Pathogenic for Cardiovascular phenotype. Last evaluated: 2026-06-30. Review status: criteria provided, single submitter. Criteria: Ambry Variant Classification Scheme 2023. Collection method: clinical testing. Allele origin: germline.
Comment: The p.Y1826* pathogenic mutation (also known as c.5478T>G), located in coding exon 33 of the FLNC gene, results from a T to G substitution at nucleotide position 5478. This changes the amino acid from a tyrosine to a stop codon within coding exon 33. This variant is considered to be rare based on population cohorts in the Genome Aggregation Database (gnomAD). This alteration is expected to result in loss of function by premature protein truncation or nonsense-mediated mRNA decay. As such, this alteration is interpreted as a disease-causing mutation for FLNC-related dilated cardiomyopathy; however, its clinical significance for FLNC-related hypertrophic/restrictive cardiomyopathy and/or skeletal myopathy is uncertain.

Labcorp Genetics (formerly Invitae), Labcorp
Classification: Pathogenic for Distal myopathy with posterior leg and anterior hand involvement; Myofibrillar myopathy 5; Hypertrophic cardiomyopathy 26. Last evaluated: 2025-12-19. Review status: criteria provided, single submitter. Criteria: Invitae Variant Classification Sherloc (09022015). Collection method: clinical testing. Allele origin: germline.
Comment: This sequence change creates a premature translational stop signal (p.Tyr1826*) in the FLNC gene. It is expected to result in an absent or disrupted protein product. Loss-of-function variants in FLNC are known to be pathogenic (PMID: 27908349). This variant is not present in population databases (gnomAD no frequency). This variant has not been reported in the literature in individuals affected with FLNC-related conditions. ClinVar contains an entry for this variant (Variation ID: 620286). For these reasons, this variant has been classified as Pathogenic.

GeneDx
Classification: Likely pathogenic. Last evaluated: 2018-07-20. Review status: criteria provided, single submitter. Criteria: GeneDx Variant Classification (06012015). Collection method: clinical testing. Allele origin: germline. Affected: yes.
Comment: The Y1826X likely pathogenic variant in the FLNC gene has not been published as pathogenic or been reported as benign to our knowledge. Y1826X is predicted to cause loss of normal protein function either by protein truncation or nonsense-mediated mRNA decay. Other nonsense variants in the FLNC gene have been reported in Human Gene Mutation Database in association with cardiomyopathy (Stenson et al., 2014). Furthermore, the Y1826X variant is not observed in large population cohorts (Lek et al., 2016).In summary, Y1826X in the FLNC gene is interpreted as a likely pathogenic variant.

Literature cited by the submitters: PubMed 27908349 (cited by Labcorp Genetics (formerly Invitae), Labcorp).